The following is an entry in ClinVar:

NM_000138.5(FBN1):c.6583G>A (p.Gly2195Arg)

Gene: FBN1 (fibrillin 1; minus strand). Cytogenetic location: 15q21.1.
Variant type: single nucleotide variant.
Coding change: c.6583G>A on transcript NM_000138.5 (MANE Select); coding-DNA position 6583, G replaced by A.
Protein change: p.Gly2195Arg; replaces glycine 2195 with arginine.
Molecular consequence: missense variant.
Genome position (GRCh38, 1-based): chr15:48,434,627, C>T on the plus strand (G>A on the coding strand, the complement: FBN1 is on the minus strand). VCF-style: chr15-48434627-C-T. GRCh37 (hg19) VCF-style: chr15-48726824-C-T.
Other names: short protein forms G2195R.
Identifiers: ClinVar variation 263922 (VCV000263922.35), dbSNP rs886038976, ClinGen allele CA10587804.
Genomic context (GRCh38, chr15:48,434,627, plus strand): 5'-CAACTGTTCTCTGTTTAAGAGATGTACCTTCACATGTCATCATTGGACCGGGCTCAAATC[C>T]CTCCTCGCAGGTGCATTCAAAACCTCCAATCACATTCTTGCAGGTTCCATTTCCACAAGG-3'
Protein context (NP_000129.3, residues 2185-2205): IGGFECTCEE[Gly2195Arg]FEPGPMMTCE

ClinVar aggregate classification (germline): Pathogenic/Likely pathogenic. Review status: criteria provided, multiple submitters, no conflicts (2 of 4 stars). 5 submissions from 5 submitters: Pathogenic (1); Likely pathogenic (3). 1 of the submissions does not count toward it. Last evaluated 2025-07-02.

Conditions:
Marfan syndrome (MFS). Also called: MARFAN SYNDROME, TYPE I; FBN1-Related Marfan Syndrome; Marfan syndrome, classic; Marfan syndrome type 1; Marfan's syndrome. Identifiers: Orphanet 284963, Orphanet 558, MedGen C0024796, MONDO:0007947, OMIM 154700.
Familial thoracic aortic aneurysm and aortic dissection (TAAD). Also called: Thoracic aortic aneurysms and dissections. Identifiers: Orphanet 91387, MedGen C4707243, MONDO:0019625.

Submissions (5):

Color Diagnostics, LLC DBA Color Health
Classification: Likely pathogenic for Familial thoracic aortic aneurysm and aortic dissection. Last evaluated: 2025-07-02. Review status: criteria provided, single submitter. Criteria: ACMG Guidelines, 2015. Collection method: clinical testing. Allele origin: germline.
Comment: This missense variant replaces glycine with arginine at codon 2195 in the EGF-like calcium-binding domain of the FBN1 protein. Computational prediction suggests that this variant may have a deleterious impact on protein structure and function. To our knowledge, functional studies have not been reported for this variant. This variant has been reported in individuals affected with Marfan syndrome (PMID: 19293843ClinVar# 263922) and in an individual affected with incomplete Marfan syndrome (PMID: 17657824). This variant has not been identified in the general population by the Genome Aggregation Database (gnomAD). Based on the available evidence, this variant is classified as Likely Pathogenic.

Ambry Genetics
Classification: Likely pathogenic for Familial thoracic aortic aneurysm and aortic dissection. Last evaluated: 2022-07-07. Review status: criteria provided, single submitter. Criteria: Ambry Variant Classification Scheme 2023. Collection method: clinical testing. Allele origin: germline.
Comment: The p.G2195R variant (also known as c.6583G>A), located in coding exon 53 of the FBN1 gene, results from a G to A substitution at nucleotide position 6583. The glycine at codon 2195 is replaced by arginine, an amino acid with dissimilar properties. This alteration has been reported in individuals with a clinical diagnosis of Marfan syndrome (Stheneur C et al. Eur J Hum Genet, 2009 Sep;17:1121-8), as well as in individuals with concerns for Marfan syndrome (Comeglio P et al. Hum Mutat, 2007 Sep;28:928; Ambry internal data). This variant is considered to be rare based on population cohorts in the Genome Aggregation Database (gnomAD). This amino acid position is highly conserved in available vertebrate species. In addition, this alteration is predicted to be deleterious by in silico analysis. Based on the majority of available evidence to date, this variant is likely to be pathogenic.

Labcorp Genetics (formerly Invitae), Labcorp
Classification: Pathogenic for Marfan syndrome; Familial thoracic aortic aneurysm and aortic dissection. Last evaluated: 2021-12-30. Review status: criteria provided, single submitter. Criteria: Invitae Variant Classification Sherloc (09022015). Collection method: clinical testing. Allele origin: germline.
Comment: For these reasons, this variant has been classified as Pathogenic. This missense change has been observed in individual(s) with clinical features of Marfan syndrome (PMID: 17657824, 19293843). ClinVar contains an entry for this variant (Variation ID: 263922). Advanced modeling of protein sequence and biophysical properties (such as structural, functional, and spatial information, amino acid conservation, physicochemical variation, residue mobility, and thermodynamic stability) performed at Invitae indicates that this missense variant is expected to disrupt FBN1 protein function. This variant is not present in population databases (gnomAD no frequency). This sequence change replaces glycine, which is neutral and non-polar, with arginine, which is basic and polar, at codon 2195 of the FBN1 protein (p.Gly2195Arg).

Centre of Medical Genetics, University of Antwerp
Classification: Likely pathogenic for Marfan syndrome. Last evaluated: 2021-03-01. Review status: criteria provided, single submitter. Criteria: Submitter's publication. Collection method: research. Allele origin: unknown. Affected: yes.
Comment: PM2, PS1, PP4

Center for Medical Genetics Ghent, University of Ghent
Classification: Uncertain significance for Marfan syndrome. Last evaluated: 2017-11-07. Review status: no assertion criteria provided. Collection method: clinical testing. Allele origin: germline. Affected: yes. Not counted in ClinVar's aggregate classification.

Literature cited by the submitters: PubMed 17657824 (cited by 3 submitters); PubMed 19293843 (cited by 3 submitters).